The following is an entry in ClinVar:

NM_000440.3(PDE6A):c.1927-1G>C

Gene: PDE6A (phosphodiesterase 6A; minus strand). Cytogenetic location: 5q32.
Variant type: single nucleotide variant.
Coding change: c.1927-1G>C on transcript NM_000440.3 (MANE Select); the canonical splice acceptor site of the intron before coding-DNA position 1927, G replaced by C.
Molecular consequence: splice acceptor variant.
Genome position (GRCh38, 1-based): chr5:149,884,580, C>G on the plus strand (G>C on the coding strand, the complement: PDE6A is on the minus strand). VCF-style: chr5-149884580-C-G. GRCh37 (hg19) VCF-style: chr5-149264143-C-G.
Other names: c.1684-1G>C (NM_001410788.1).
Identifiers: ClinVar variation 3237370 (VCV003237370.2), dbSNP rs1761074706.

ClinVar aggregate classification (germline): Pathogenic/Likely pathogenic. Review status: criteria provided, multiple submitters, no conflicts (2 of 4 stars). 2 submissions from 2 submitters: Pathogenic (1); Likely pathogenic (1). Last evaluated 2025-12-28.

Conditions:
Retinitis pigmentosa (RP). Identifiers: Orphanet 791, MedGen C0035334, MeSH D012174, MONDO:0019200, OMIM 268000. Inheritance: Autosomal dominant, autosomal recessive and X linked inheritance.
Retinitis pigmentosa 43 (RP43). Identifiers: Orphanet 791, MedGen C3151139, MONDO:0013437, OMIM 613810.

Submissions (2):

3billion
Classification: Pathogenic for Retinitis pigmentosa 43. Last evaluated: 2025-12-28. Review status: criteria provided, single submitter. Criteria: ACMG Guidelines, 2015. Collection method: clinical testing. Allele origin: germline. Affected: yes.
Comment: The variant is not observed in the gnomAD v4.1.0 dataset. Predicted Consequence/Location: Canonical splice site: predicted to alter splicing and result in a loss or disruption of normal protein function. Multiple pathogenic loss-of-function variants are reported downstream of the variant. In silico tools predict the variant to alter splicing and produce an abnormal transcript [SpliceAI: 1.00 (spliceogenicity >=0.2, non-spliceogenicity <0.1)]. The variant has been reported to be associated with PDE6A-related disorder (ClinVar ID: VCV003237370). Therefore, this variant is classified as Pathogenic according to the recommendation of ACMG/AMP guideline.

Institute of Medical Genetics and Applied Genomics, University Hospital Tübingen
Classification: Likely pathogenic for Retinitis pigmentosa. Last evaluated: 2024-06-05. Review status: criteria provided, single submitter. Criteria: ACMG Guidelines, 2015. Collection method: clinical testing. Allele origin: germline. Inheritance: Autosomal recessive inheritance. Affected: yes.